The following is an entry in ClinVar:

NM_020408.5(LYRM4):c.-297G>A

Genes: FARS2 (phenylalanyl-tRNA synthetase 2, mitochondrial; plus strand), LYRM4 (LYR motif containing 4; minus strand), LOC129995673 (ATAC-STARR-seq lymphoblastoid silent region 16874; plus strand). Cytogenetic location: 6p25.1.
Variant type: single nucleotide variant.
Coding change: c.-297G>A on transcript NM_020408.5; 297 bases upstream of the start codon, G replaced by A.
Molecular consequence: 5 prime UTR variant (on NM_001318872.2).
Genome position (GRCh38, 1-based): chr6:5,261,030, C>T on the plus strand (G>A on the coding strand, the complement: LYRM4 is on the minus strand). VCF-style: chr6-5261030-C-T. GRCh37 (hg19) VCF-style: chr6-5261263-C-T.
Other names: c.-350C>T (NM_001318872.2); c.-383C>T (NM_001374878.1).
Identifiers: ClinVar variation 676277 (VCV000676277.3), dbSNP rs116670419, ClinGen allele CA12222827.

ClinVar aggregate classification (germline): Benign (1 of 4 stars; one submission).

Allele frequency attached by ClinVar (database versions not stated): gnomAD 0.24463 and 0.24902; TOPMed 0.25763; gnomAD exomes 0.18421; 1000 Genomes Project 0.25100; 1000 Genomes Project 30x 0.25187.
gnomAD v4.1: 180,532 of 928,136 alleles (19%); highest among the groups gnomAD compares: African/African-American, 38%; 18,994 homozygotes.

Submission:

GeneDx
Classification: Benign. Last evaluated: 2018-06-14. Review status: criteria provided, single submitter. Criteria: GeneDx Variant Classification (06012015). Collection method: clinical testing. Allele origin: germline. Affected: yes.
Comment: This variant is considered likely benign or benign based on one or more of the following criteria: it is a conservative change, it occurs at a poorly conserved position in the protein, it is predicted to be benign by multiple in silico algorithms, and/or has population frequency not consistent with disease.